The following is an entry in ClinVar:

ClinVar aggregate classification (germline): Pathogenic/Likely pathogenic. Review status: criteria provided, multiple submitters, no conflicts (2 of 4 stars). 4 submissions from 4 submitters: Pathogenic (3); Likely pathogenic (1). Last evaluated 2025-12-13.

Conditions:
Microcephaly-intellectual disability-sensorineural hearing loss-epilepsy-abnormal muscle tone syndrome (NEDHSB). Also called: NEURODEVELOPMENTAL DISORDER WITH HEARING LOSS, SEIZURES, AND BRAIN ABNORMALITIES. Identifiers: Orphanet 457351, MedGen C4225276, MONDO:0014698, OMIM 616577.

Allele frequency attached by ClinVar (database versions not stated): gnomAD exomes 0.00001 and 0.00002; gnomAD 0.00001; ExAC 0.00002.
gnomAD v4.1: 16 of 1,613,290 alleles (0.00099%); highest among the groups gnomAD compares: East Asian, 0.0045%; no homozygotes.

Submissions (4):

Labcorp Genetics (formerly Invitae), Labcorp
Classification: Pathogenic for Microcephaly-intellectual disability-sensorineural hearing loss-epilepsy-abnormal muscle tone syndrome. Last evaluated: 2025-12-13. Review status: criteria provided, single submitter. Criteria: Invitae Variant Classification Sherloc (09022015). Collection method: clinical testing. Allele origin: germline.
Comment: This sequence change creates a premature translational stop signal (p.Arg510*) in the SPATA5 gene. It is expected to result in an absent or disrupted protein product. Loss-of-function variants in SPATA5 are known to be pathogenic (PMID: 26299366). This variant is present in population databases (rs267600009, gnomAD 0.006%). This variant has not been reported in the literature in individuals affected with SPATA5-related conditions. ClinVar contains an entry for this variant (Variation ID: 75286). For these reasons, this variant has been classified as Pathogenic.

Dasa
Classification: Pathogenic for Microcephaly-intellectual disability-sensorineural hearing loss-epilepsy-abnormal muscle tone syndrome. Last evaluated: 2022-11-03. Review status: criteria provided, single submitter. Criteria: ACMG Guidelines, 2015. Collection method: clinical testing. Allele origin: germline. Affected: yes. Observed: 1 variant allele.
Comment: The c.1528C>T;p.(Arg510*) variant creates a premature translational stop signal in the SPATA5 gene. It is expected to result in an absent or disrupted protein product - PVS1. ClinVar contains an entry for this variant (ClinVar ID: 75286) - PS4_supporting. The variant is present at low allele frequencies population databases (rs267600009 – gnomAD 0.0001594%; ABraOM no frequency) - PM2_supporting. In summary, the currently available evidence indicates that the variant is pathogenic.

3billion
Classification: Pathogenic for Microcephaly-intellectual disability-sensorineural hearing loss-epilepsy-abnormal muscle tone syndrome. Last evaluated: 2022-05-22. Review status: criteria provided, single submitter. Criteria: ACMG Guidelines, 2015. Collection method: clinical testing. Allele origin: germline. Affected: yes. Observed: 1 heterozygote.
Comment: The variant is observed at an extremely low frequency in the gnomAD v2.1.1 dataset (total allele frequency: 0.002%). Stop-gained (nonsense): predicted to result in a loss or disruption of normal protein function through nonsense-mediated decay (NMD) or protein truncation. Multiple pathogenic variants are reported downstream of the variant. The variant has been reported to be associated with SPATA5 related disorder (ClinVar ID: VCV000075286). Therefore, this variant is classified as pathogenic according to the recommendation of ACMG/AMP guideline.

GeneDx
Classification: Likely pathogenic. Last evaluated: 2021-12-06. Review status: criteria provided, single submitter. Criteria: GeneDx Variant Classification Process June 2021. Collection method: clinical testing. Allele origin: germline. Affected: yes.
Comment: Nonsense variant predicted to result in protein truncation or nonsense mediated decay in a gene for which loss-of-function is a known mechanism of disease; Not observed at significant frequency in large population cohorts (gnomAD); Has not been previously published as pathogenic or benign to our knowledge

Literature cited by the submitters: PubMed 26299366 (cited by Labcorp Genetics (formerly Invitae), Labcorp).

NM_145207.3(AFG2A):c.1528C>T (p.Arg510Ter)

Gene: AFG2A (AAA ATPase AFG2A; plus strand). Cytogenetic location: 4q28.1.
Variant type: single nucleotide variant.
Coding change: c.1528C>T on transcript NM_145207.3 (MANE Select); coding-DNA position 1528, C replaced by T.
Protein change: p.Arg510Ter; replaces arginine 510 with a stop codon.
Molecular consequence: nonsense.
Genome position (GRCh38, 1-based): chr4:122,947,302, C>T. VCF-style: chr4-122947302-C-T. GRCh37 (hg19) VCF-style: chr4-123868457-C-T.
Other names: c.1525C>T, p.Arg509Ter (NM_001317799.2, NM_001345856.2); short protein forms R510*, R509*.
Identifiers: ClinVar variation 75286 (VCV000075286.10), dbSNP rs267600009, ClinGen allele CA3070485.